The following is an entry in ClinVar:

NM_030943.4(AMN):c.324C>T (p.Asp108=)

Gene: AMN (amnion associated transmembrane protein; plus strand). Cytogenetic location: 14q32.32.
Variant type: single nucleotide variant.
Coding change: c.324C>T on transcript NM_030943.4 (MANE Select); coding-DNA position 324, C replaced by T.
Protein change: p.Asp108=; no amino-acid change (aspartic acid 108 retained).
Molecular consequence: synonymous variant.
Genome position (GRCh38, 1-based): chr14:102,928,786, C>T. VCF-style: chr14-102928786-C-T. GRCh37 (hg19) VCF-style: chr14-103395123-C-T.
Identifiers: ClinVar variation 695656 (VCV000695656.13), dbSNP rs7140429, ClinGen allele CA7359887.
Genomic context (GRCh38, chr14:102,928,786, plus strand): 5'-TCCGTGGAGCTCAGGGATGTGCTCCGGCTCAGGCGAACCTGCCGTCTTCCGCGACTCTGA[C>T]CGCTTCTCCTGGCATGACCCGCACCTGTGGCGCTCTGGGGACGAGGCACCTGGCCTCTTC-3'
Protein context (NP_112205.2, residues 98-118): AGEPAVFRDS[Asp108=]RFSWHDPHLW

ClinVar aggregate classification (germline): Benign/Likely benign. Review status: criteria provided, multiple submitters, no conflicts (2 of 4 stars). 2 submissions from 2 submitters: Benign (1); Likely benign (1). Last evaluated 2026-01-28.

Conditions:
Imerslund-Grasbeck syndrome. Also called: Megaloblastic anemia due to inborn errors of metabolism; ENTEROCYTE COBALAMIN MALABSORPTION; ENTEROCYTE INTRINSIC FACTOR RECEPTOR, DEFECT OF; Imerslund-Gräsbeck syndrome; PERNICIOUS ANEMIA, JUVENILE, DUE TO SELECTIVE INTESTINAL MALABSORPTION OF VITAMIN B12, WITH PROTEINURIA. Identifiers: Orphanet 35858, MedGen C4551825, MONDO:0009853.

Allele frequency attached by ClinVar (database versions not stated): gnomAD exomes 0.00042 and 0.00126; ExAC 0.00152; ESP Exome Variant Server 0.00477; gnomAD 0.00479 and 0.00514; TOPMed 0.00515; 1000 Genomes Project 0.00539; 1000 Genomes Project 30x 0.00547.
gnomAD v4.1: 1,343 of 1,608,732 alleles (0.083%); highest among the groups gnomAD compares: African/African-American, 1.6%; 15 homozygotes.

Submissions (2):

Labcorp Genetics (formerly Invitae), Labcorp
Classification: Benign for Imerslund-Grasbeck syndrome. Last evaluated: 2026-01-28. Review status: criteria provided, single submitter. Criteria: Invitae Variant Classification Sherloc (09022015). Collection method: clinical testing. Allele origin: germline.

GeneDx
Classification: Likely benign. Last evaluated: 2021-03-15. Review status: criteria provided, single submitter. Criteria: GeneDx Variant Classification Process June 2021. Collection method: clinical testing. Allele origin: germline. Affected: yes.
Comment: See Variant Classification Assertion Criteria.